The following is an entry in ClinVar:

ClinVar aggregate classification (germline): Uncertain significance (1 of 4 stars; one submission).

Conditions:
Werner syndrome (WRN). Identifiers: Orphanet 902, MedGen C0043119, MONDO:0010196, OMIM 277700.

Submission:

Labcorp Genetics (formerly Invitae), Labcorp
Classification: Uncertain significance for Werner syndrome. Last evaluated: 2023-10-28. Review status: criteria provided, single submitter. Criteria: Invitae Variant Classification Sherloc (09022015). Collection method: clinical testing. Allele origin: germline.
Comment: This sequence change replaces tyrosine, which is neutral and polar, with histidine, which is basic and polar, at codon 293 of the WRN protein (p.Tyr293His). This variant is not present in population databases (gnomAD no frequency). This variant has not been reported in the literature in individuals affected with WRN-related conditions. Algorithms developed to predict the effect of missense changes on protein structure and function output the following: SIFT: "Not Available"; PolyPhen-2: "Benign"; Align-GVGD: "Not Available". The histidine amino acid residue is found in multiple mammalian species, which suggests that this missense change does not adversely affect protein function. In summary, the available evidence is currently insufficient to determine the role of this variant in disease. Therefore, it has been classified as a Variant of Uncertain Significance.

NM_000553.6(WRN):c.877T>C (p.Tyr293His)

Gene: WRN (WRN RecQ like helicase; plus strand). Cytogenetic location: 8p12.
Variant type: single nucleotide variant.
Coding change: c.877T>C on transcript NM_000553.6 (MANE Select); coding-DNA position 877, T replaced by C.
Protein change: p.Tyr293His; replaces tyrosine 293 with histidine.
Molecular consequence: missense variant.
Genome position (GRCh38, 1-based): chr8:31,080,904, T>C. VCF-style: chr8-31080904-T-C. GRCh37 (hg19) VCF-style: chr8-30938420-T-C.
Other names: short protein forms Y293H.
Identifiers: ClinVar variation 3017427 (VCV003017427.3), dbSNP rs2535909582, ClinGen allele CA370919717.